The following is an entry in ClinVar:

ClinVar aggregate classification (germline): Likely pathogenic (1 of 4 stars; one submission).

Submission:

GeneDx
Classification: Likely pathogenic. Last evaluated: 2016-04-15. Review status: criteria provided, single submitter. Criteria: GeneDx Variant Classification (06012015). Collection method: clinical testing. Allele origin: germline. Affected: yes.
Comment: The C1254Y variant has been reported previously as de novo in at least one individual with Furlong syndrome (Marfanoid-habitus craniosynostosis syndrome) (Stheneur et al., 2009; Carmignac et al., 2012). The C1254Y variant was not observed in approximately 6,500 individuals of European and African American ancestry in the NHLBI Exome Sequencing Project, indicating it is not a common benign variant in these populations. The C1254Y variant is a non-conservative amino acid substitution, which is likely to impact secondary protein structure as these residues differ in polarity, charge, size and/or other properties. Additionally, this substitution occurs at a position that is conserved across species and in silico analysis predicts this variant is probably damaging to the protein structure/function. Furthermore, the C1254Y variant affects a Cysteine residue within a calcium-binding EGF-like domain of the FBN1 gene, which may affect disulfide bonding and is predicted to alter the structure and function of the protein. Cysteine substitutions in the calcium-binding EGF-like domains represent the majority of pathogenic missense changes associated with Marfan syndrome (Collod-Beroud et al., 2003).

NM_000138.5(FBN1):c.3761G>A (p.Cys1254Tyr)

Gene: FBN1 (fibrillin 1; minus strand). Cytogenetic location: 15q21.1.
Variant type: single nucleotide variant.
Coding change: c.3761G>A on transcript NM_000138.5 (MANE Select); coding-DNA position 3761, G replaced by A.
Protein change: p.Cys1254Tyr; replaces cysteine 1254 with tyrosine.
Molecular consequence: missense variant.
Genome position (GRCh38, 1-based): chr15:48,483,895, C>T on the plus strand (G>A on the coding strand, the complement: FBN1 is on the minus strand). VCF-style: chr15-48483895-C-T. GRCh37 (hg19) VCF-style: chr15-48776092-C-T.
Other names: short protein forms C1254Y.
Identifiers: ClinVar variation 430151 (VCV000430151.2), dbSNP rs1131691805, ClinGen allele CA392323988.
Genomic context (GRCh38, chr15:48,483,895, plus strand): 5'-TCTTCAGATGCCATGAATCCATCATAACACAAGCACCTGTACTCTCCAGGGATATTTGTG[C>T]ACTGACCACCATCACAGATATTGGGATTATCTTCACACTCATCGATGTCTGCAAAGAATA-3'
Protein context (NP_000129.3, residues 1244-1264): DNPNICDGGQ[Cys1254Tyr]TNIPGEYRCL